The following is an entry in ClinVar:

NM_015057.5(MYCBP2):c.10554G>A (p.Pro3518=)

Gene: MYCBP2 (MYC binding protein 2; minus strand). Cytogenetic location: 13q22.3.
Variant type: single nucleotide variant.
Coding change: c.10554G>A on transcript NM_015057.5 (MANE Select); coding-DNA position 10554, G replaced by A.
Protein change: p.Pro3518=; no amino-acid change (proline 3518 retained).
Molecular consequence: synonymous variant.
Genome position (GRCh38, 1-based): chr13:77,089,003, C>T on the plus strand (G>A on the coding strand, the complement: MYCBP2 is on the minus strand). VCF-style: chr13-77089003-C-T. GRCh37 (hg19) VCF-style: chr13-77663138-C-T.
Identifiers: ClinVar variation 3055887 (VCV003055887.2), dbSNP rs34700794, ClinGen allele CA7008306.

ClinVar aggregate classification (germline): Benign (0 of 4 stars; one submission).

Conditions:
MYCBP2-related disorder. Also called: MYCBP2-related condition.

Allele frequency attached by ClinVar (database versions not stated): gnomAD 0.02901; 1000 Genomes Project 30x 0.03076; TOPMed 0.03121; 1000 Genomes Project 0.03195; ESP Exome Variant Server 0.03298; ExAC 0.03594.

Submission:

PreventionGenetics, part of Exact Sciences
Classification: Benign for MYCBP2-related condition. Last evaluated: 2020-01-14. Review status: no assertion criteria provided. Collection method: clinical testing. Allele origin: germline.
Comment: This variant is classified as benign based on ACMG/AMP sequence variant interpretation guidelines (Richards et al. 2015 PMID: 25741868, with internal and published modifications).